The following is an entry in ClinVar:

NM_020806.5(GPHN):c.294+1G>T

Gene: GPHN (gephyrin; plus strand). Cytogenetic location: 14q23.3.
Variant type: single nucleotide variant.
Coding change: c.294+1G>T on transcript NM_020806.5 (MANE Select); the canonical splice donor site of the intron after coding-DNA position 294, G replaced by T.
Molecular consequence: splice donor variant.
Genome position (GRCh38, 1-based): chr14:66,824,567, G>T. VCF-style: chr14-66824567-G-T. GRCh37 (hg19) VCF-style: chr14-67291285-G-T.
Other names: c.294+1G>T (NM_001377514.1, NM_001377519.1, NM_001377515.1 and 4 more transcripts).
Identifiers: ClinVar variation 2087080 (VCV002087080.4), dbSNP rs2549284450, ClinGen allele CA390255638.

ClinVar aggregate classification (germline): Likely pathogenic (1 of 4 stars; one submission).

Conditions:
Sulfite oxidase deficiency due to molybdenum cofactor deficiency type C. Also called: Molybdenum cofactor deficiency, complementation group C; Molybdenum cofactor deficiency C. Identifiers: Orphanet 308400, Orphanet 833, MedGen C1854990, MONDO:0014212, OMIM 615501.

Submission:

Labcorp Genetics (formerly Invitae), Labcorp
Classification: Likely pathogenic for Sulfite oxidase deficiency due to molybdenum cofactor deficiency type C. Last evaluated: 2024-01-08. Review status: criteria provided, single submitter. Criteria: Invitae Variant Classification Sherloc (09022015). Collection method: clinical testing. Allele origin: germline.
Comment: This sequence change affects a donor splice site in intron 4 of the GPHN gene. It is expected to disrupt RNA splicing. Variants that disrupt the donor or acceptor splice site typically lead to a loss of protein function (PMID: 16199547), and loss-of-function variants in GPHN are known to be pathogenic (PMID: 11095995, 23184456, 23393157, 24561070, 26613940). This variant is not present in population databases (gnomAD no frequency). This variant has not been reported in the literature in individuals affected with GPHN-related conditions. ClinVar contains an entry for this variant (Variation ID: 2087080). Algorithms developed to predict the effect of sequence changes on RNA splicing suggest that this variant may disrupt the consensus splice site. In summary, the currently available evidence indicates that the variant is pathogenic, but additional data are needed to prove that conclusively. Therefore, this variant has been classified as Likely Pathogenic.

Literature cited by the submitters: PubMed 16199547; PubMed 11095995; PubMed 23184456; PubMed 23393157; PubMed 24561070; PubMed 26613940.